The following is an entry in ClinVar:

ClinVar aggregate classification (germline): Uncertain significance (1 of 4 stars; one submission).

Allele frequency attached by ClinVar (database versions not stated): ExAC 0.00001; gnomAD exomes 0.00001.

Submission:

Labcorp Genetics (formerly Invitae), Labcorp
Classification: Uncertain significance. Last evaluated: 2023-11-10. Review status: criteria provided, single submitter. Criteria: Invitae Variant Classification Sherloc (09022015). Collection method: clinical testing. Allele origin: germline.
Comment: This sequence change replaces arginine, which is basic and polar, with tryptophan, which is neutral and slightly polar, at codon 220 of the DVL3 protein (p.Arg220Trp). The frequency data for this variant in the population databases is considered unreliable, as metrics indicate poor data quality at this position in the gnomAD database. This variant has not been reported in the literature in individuals affected with DVL3-related conditions. Advanced modeling of protein sequence and biophysical properties (such as structural, functional, and spatial information, amino acid conservation, physicochemical variation, residue mobility, and thermodynamic stability) has been performed at Invitae for this missense variant, however the output from this modeling did not meet the statistical confidence thresholds required to predict the impact of this variant on DVL3 protein function. In summary, the available evidence is currently insufficient to determine the role of this variant in disease. Therefore, it has been classified as a Variant of Uncertain Significance.

NM_004423.4(DVL3):c.658C>T (p.Arg220Trp)

Gene: DVL3 (dishevelled segment polarity protein 3; plus strand). Cytogenetic location: 3q27.1.
Variant type: single nucleotide variant.
Coding change: c.658C>T on transcript NM_004423.4 (MANE Select); coding-DNA position 658, C replaced by T.
Protein change: p.Arg220Trp; replaces arginine 220 with tryptophan.
Molecular consequence: missense variant.
Genome position (GRCh38, 1-based): chr3:184,165,171, C>T. VCF-style: chr3-184165171-C-T. GRCh37 (hg19) VCF-style: chr3-183882959-C-T.
Other names: short protein forms R220W.
Identifiers: ClinVar variation 2891054 (VCV002891054.3), dbSNP rs773456157, ClinGen allele CA2727186.